The following is an entry in ClinVar:

NM_015909.4(NBAS):c.1032C>G (p.Ile344Met)

Gene: NBAS (NBAS subunit of NRZ tethering complex; minus strand). Cytogenetic location: 2p24.3.
Variant type: single nucleotide variant.
Coding change: c.1032C>G on transcript NM_015909.4 (MANE Select); coding-DNA position 1032, C replaced by G.
Protein change: p.Ile344Met; replaces isoleucine 344 with methionine.
Molecular consequence: missense variant. On other transcripts: non-coding transcript variant (1).
Genome position (GRCh38, 1-based): chr2:15,488,945, G>C on the plus strand (C>G on the coding strand, the complement: NBAS is on the minus strand). VCF-style: chr2-15488945-G-C. GRCh37 (hg19) VCF-style: chr2-15629069-G-C.
Other names: short protein forms I344M.
Identifiers: ClinVar variation 1512586 (VCV001512586.8), dbSNP rs2148612276, ClinGen allele CA345894824.

ClinVar aggregate classification (germline): Uncertain significance (1 of 4 stars; one submission).

Submission:

Labcorp Genetics (formerly Invitae), Labcorp
Classification: Uncertain significance. Last evaluated: 2021-02-21. Review status: criteria provided, single submitter. Criteria: Invitae Variant Classification Sherloc (09022015). Collection method: clinical testing. Allele origin: germline.
Comment: This variant has not been reported in the literature in individuals with NBAS-related conditions. This variant is not present in population databases (ExAC no frequency). This sequence change replaces isoleucine with methionine at codon 344 of the NBAS protein (p.Ile344Met). The isoleucine residue is highly conserved and there is a small physicochemical difference between isoleucine and methionine. In summary, the available evidence is currently insufficient to determine the role of this variant in disease. Therefore, it has been classified as a Variant of Uncertain Significance. Algorithms developed to predict the effect of sequence changes on RNA splicing suggest that this variant may create or strengthen a splice site, but this prediction has not been confirmed by published transcriptional studies. Algorithms developed to predict the effect of missense changes on protein structure and function are either unavailable or do not agree on the potential impact of this missense change (SIFT: "Deleterious"; PolyPhen-2: "Possibly Damaging"; Align-GVGD: "Class C0").